The following is an entry in ClinVar:

NM_053025.4(MYLK):c.1060C>T (p.Pro354Ser)

Gene: MYLK (myosin light chain kinase; minus strand). Cytogenetic location: 3q21.1.
Variant type: single nucleotide variant.
Coding change: c.1060C>T on transcript NM_053025.4 (MANE Select); coding-DNA position 1060, C replaced by T.
Protein change: p.Pro354Ser; replaces proline 354 with serine.
Molecular consequence: missense variant.
Genome position (GRCh38, 1-based): chr3:123,733,936, G>A on the plus strand (C>T on the coding strand, the complement: MYLK is on the minus strand). VCF-style: chr3-123733936-G-A. GRCh37 (hg19) VCF-style: chr3-123452783-G-A.
Other names: c.532C>T, p.Pro178Ser (NM_001321309.2); c.1060C>T, p.Pro354Ser (NM_053026.4, NM_053027.4, NM_053028.4); c.1060C>T (NM_053025.3); short protein forms P178S, P354S.
Identifiers: ClinVar variation 2418739 (VCV002418739.8), dbSNP rs1478703518, ClinGen allele CA073869.

ClinVar aggregate classification (germline): Uncertain significance. Review status: criteria provided, multiple submitters, no conflicts (2 of 4 stars). 2 submissions from 2 submitters: Uncertain significance (2). Last evaluated 2025-03-24.

Conditions:
Familial thoracic aortic aneurysm and aortic dissection (TAAD). Also called: Thoracic aortic aneurysms and dissections. Identifiers: Orphanet 91387, MedGen C4707243, MONDO:0019625.
Aortic aneurysm, familial thoracic 7 (AAT7). Also called: AORTIC DISSECTION, FAMILIAL, WITH OR WITHOUT AORTIC ANEURYSM. Identifiers: MedGen C3151077, MONDO:0013418, OMIM 613780.

Allele frequency attached by ClinVar (database versions not stated): gnomAD exomes below 0.00001.
gnomAD v4.1: 3 of 1,614,204 alleles (0.00019%); highest among the groups gnomAD compares: Non-Finnish European, 0.00025%; no homozygotes.

Submissions (2):

Labcorp Genetics (formerly Invitae), Labcorp
Classification: Uncertain significance for Aortic aneurysm, familial thoracic 7. Last evaluated: 2025-03-24. Review status: criteria provided, single submitter. Criteria: Invitae Variant Classification Sherloc (09022015). Collection method: clinical testing. Allele origin: germline.
Comment: This sequence change replaces proline, which is neutral and non-polar, with serine, which is neutral and polar, at codon 354 of the MYLK protein (p.Pro354Ser). This variant is present in population databases (no rsID available, gnomAD 0.0009%). This variant has not been reported in the literature in individuals affected with MYLK-related conditions. ClinVar contains an entry for this variant (Variation ID: 2418739). Invitae Evidence Modeling of protein sequence and biophysical properties (such as structural, functional, and spatial information, amino acid conservation, physicochemical variation, residue mobility, and thermodynamic stability) indicates that this missense variant is not expected to disrupt MYLK protein function with a negative predictive value of 95%. In summary, the available evidence is currently insufficient to determine the role of this variant in disease. Therefore, it has been classified as a Variant of Uncertain Significance.

Ambry Genetics
Classification: Uncertain significance for Familial thoracic aortic aneurysm and aortic dissection. Last evaluated: 2023-08-03. Review status: criteria provided, single submitter. Criteria: Ambry Variant Classification Scheme 2023. Collection method: clinical testing. Allele origin: germline.
Comment: The p.P354S variant (also known as c.1060C>T), located in coding exon 7 of the MYLK gene, results from a C to T substitution at nucleotide position 1060. The proline at codon 354 is replaced by serine, an amino acid with similar properties. This amino acid position is conserved. In addition, this alteration is predicted to be tolerated by in silico analysis. Since supporting evidence is limited at this time, the clinical significance of this alteration remains unclear.